The following is an entry in ClinVar:

NM_019032.6(ADAMTSL4):c.2593C>A (p.Arg865Ser)

Gene: ADAMTSL4 (ADAMTS like 4; plus strand). Cytogenetic location: 1q21.2.
Variant type: single nucleotide variant.
Coding change: c.2593C>A on transcript NM_019032.6 (MANE Select); coding-DNA position 2593, C replaced by A.
Protein change: p.Arg865Ser; replaces arginine 865 with serine.
Molecular consequence: missense variant.
Genome position (GRCh38, 1-based): chr1:150,558,995, C>A. VCF-style: chr1-150558995-C-A. GRCh37 (hg19) VCF-style: chr1-150531471-C-A.
Other names: c.2476C>A, p.Arg826Ser (NM_001288607.2); c.2662C>A, p.Arg888Ser (NM_001288608.2); c.2593C>A, p.Arg865Ser (NM_001378596.1); short protein forms R826S, R865S, R888S.
Identifiers: ClinVar variation 3623868 (VCV003623868.2).

ClinVar aggregate classification (germline): Uncertain significance (1 of 4 stars; one submission).

gnomAD v4.1: 4 of 1,611,050 alleles (0.00025%); highest among the groups gnomAD compares: South Asian, 0.0033%; 1 homozygote.

Submission:

Labcorp Genetics (formerly Invitae), Labcorp
Classification: Uncertain significance. Last evaluated: 2024-08-31. Review status: criteria provided, single submitter. Criteria: Invitae Variant Classification Sherloc (09022015). Collection method: clinical testing. Allele origin: germline.
Comment: This sequence change replaces arginine, which is basic and polar, with serine, which is neutral and polar, at codon 865 of the ADAMTSL4 protein (p.Arg865Ser). This variant is not present in population databases (gnomAD no frequency). This variant has not been reported in the literature in individuals affected with ADAMTSL4-related conditions. Invitae Evidence Modeling of protein sequence and biophysical properties (such as structural, functional, and spatial information, amino acid conservation, physicochemical variation, residue mobility, and thermodynamic stability) indicates that this missense variant is expected to disrupt ADAMTSL4 protein function with a positive predictive value of 80%. This variant disrupts the p.Arg865 amino acid residue in ADAMTSL4. Other variant(s) that disrupt this residue have been determined to be pathogenic (PMID: 24802351, 26653794). This suggests that this residue is clinically significant, and that variants that disrupt this residue are likely to be disease-causing. In summary, the available evidence is currently insufficient to determine the role of this variant in disease. Therefore, it has been classified as a Variant of Uncertain Significance.

Literature cited by the submitters: PubMed 24802351; PubMed 26653794.